The following is an entry in ClinVar:

ClinVar aggregate classification (germline): Uncertain significance (1 of 4 stars; one submission).

Allele frequency attached by ClinVar (database versions not stated): ExAC 0.00001.
gnomAD v4.1: 1 of 1,614,156 alleles (0.000062%); highest among the groups gnomAD compares: Admixed American, 0.0017%; no homozygotes.

Submission:

Labcorp Genetics (formerly Invitae), Labcorp
Classification: Uncertain significance. Last evaluated: 2022-12-10. Review status: criteria provided, single submitter. Criteria: Invitae Variant Classification Sherloc (09022015). Collection method: clinical testing. Allele origin: germline.
Comment: This variant has not been reported in the literature in individuals affected with BRD4-related conditions. In summary, the available evidence is currently insufficient to determine the role of this variant in disease. Therefore, it has been classified as a Variant of Uncertain Significance. Algorithms developed to predict the effect of missense changes on protein structure and function are either unavailable or do not agree on the potential impact of this missense change (SIFT: "Deleterious"; PolyPhen-2: "Possibly Damaging"; Align-GVGD: "Class C0"). This variant is present in population databases (rs753110356, gnomAD 0.003%). This sequence change replaces glutamine, which is neutral and polar, with histidine, which is basic and polar, at codon 1167 of the BRD4 protein (p.Gln1167His).

NM_001379291.1(BRD4):c.3501G>C (p.Gln1167His)

Gene: BRD4 (bromodomain containing 4; minus strand). Cytogenetic location: 19p13.12.
Variant type: single nucleotide variant.
Coding change: c.3501G>C on transcript NM_001379291.1 (MANE Select); coding-DNA position 3501, G replaced by C.
Protein change: p.Gln1167His; replaces glutamine 1167 with histidine.
Molecular consequence: missense variant.
Genome position (GRCh38, 1-based): chr19:15,239,467, C>G on the plus strand (G>C on the coding strand, the complement: BRD4 is on the minus strand). VCF-style: chr19-15239467-C-G. GRCh37 (hg19) VCF-style: chr19-15350278-C-G.
Other names: c.3501G>C, p.Gln1167His (NM_058243.3); short protein forms Q1167H.
Identifiers: ClinVar variation 2791288 (VCV002791288.3), dbSNP rs753110356, ClinGen allele CA9264616.
Genomic context (GRCh38, chr19:15,239,467, plus strand): 5'-TGGAGTCTTCGGCTCCTGTTTCTGTTTGTCCTTGTCAGGGGCCCCTGGTGGCGGTGCGTT[C>G]TGCTCTGGGGGCCGGATCACAGGCCTCCCGACATCCACAGGCTTCATTTCCGGCCCTGGA-3'
Protein context (NP_001366220.1, residues 1157-1177): VGRPVIRPPE[Gln1167His]NAPPPGAPDK